The following is an entry in ClinVar:

ClinVar aggregate classification (germline): Uncertain significance (1 of 4 stars; one submission).

Allele frequency attached by ClinVar (database versions not stated): TOPMed below 0.00001.

Submission:

GeneDx
Classification: Uncertain significance. Last evaluated: 2022-08-22. Review status: criteria provided, single submitter. Criteria: GeneDx Variant Classification Process June 2021. Collection method: clinical testing. Allele origin: germline. Affected: yes.
Comment: Not observed at significant frequency in large population cohorts (gnomAD); In silico analysis supports that this missense variant has a deleterious effect on protein structure/function; Has not been previously published as pathogenic or benign to our knowledge

NM_002609.4(PDGFRB):c.2927A>T (p.Glu976Val)

Gene: PDGFRB (platelet derived growth factor receptor beta; minus strand). Cytogenetic location: 5q32.
Variant type: single nucleotide variant.
Coding change: c.2927A>T on transcript NM_002609.4 (MANE Select); coding-DNA position 2927, A replaced by T.
Protein change: p.Glu976Val; replaces glutamic acid 976 with valine.
Molecular consequence: missense variant.
Genome position (GRCh38, 1-based): chr5:150,117,828, T>A on the plus strand (A>T on the coding strand, the complement: PDGFRB is on the minus strand). VCF-style: chr5-150117828-T-A. GRCh37 (hg19) VCF-style: chr5-149497391-T-A.
Other names: c.2735A>T, p.Glu912Val (NM_001355016.2); c.2444A>T, p.Glu815Val (NM_001355017.2); short protein forms E815V, E912V, E976V.
Identifiers: ClinVar variation 2430592 (VCV002430592.1), dbSNP rs1041732677, ClinGen allele CA129098362.